The following is an entry in ClinVar:

NM_001105206.3(LAMA4):c.2118T>G (p.Ser706Arg)

Gene: LAMA4 (laminin subunit alpha 4; minus strand). Cytogenetic location: 6q21.
Variant type: single nucleotide variant.
Coding change: c.2118T>G on transcript NM_001105206.3 (MANE Select); coding-DNA position 2118, T replaced by G.
Protein change: p.Ser706Arg; replaces serine 706 with arginine.
Molecular consequence: missense variant.
Genome position (GRCh38, 1-based): chr6:112,150,566, A>C on the plus strand (T>G on the coding strand, the complement: LAMA4 is on the minus strand). VCF-style: chr6-112150566-A-C. GRCh37 (hg19) VCF-style: chr6-112471768-A-C.
Other names: c.2097T>G, p.Ser699Arg (NM_001105207.3, NM_002290.5); short protein forms S699R, S706R.
Identifiers: ClinVar variation 2837169 (VCV002837169.3), dbSNP rs2547052058, ClinGen allele CA365363154.
Genomic context (GRCh38, chr6:112,150,566, plus strand): 5'-CTTACCTCTCTCTGCTGCTTGTAGTTGCTTAACGGCATCACTGAGTCTGGTTTTAAGGGC[A>C]CTTTTCCTTGCTAGGGCTCCACCCACACGCCTGCTAGTGTCAGCCACTGCTTCATCACTG-3'
Protein context (NP_001098676.2, residues 696-716): RRVGGALARK[Ser706Arg]ALKTRLSDAV

ClinVar aggregate classification (germline): Uncertain significance (1 of 4 stars; one submission).

Conditions:
Dilated cardiomyopathy 1JJ (CMD1JJ). Identifiers: Orphanet 154, MedGen C3808935, MONDO:0014095, OMIM 615235.

Allele frequency attached by ClinVar (database versions not stated): gnomAD exomes below 0.00001.
gnomAD v4.1: 1 of 1,614,048 alleles (0.000062%); highest among the groups gnomAD compares: African/African-American, 0.0013%; no homozygotes.

Submission:

Labcorp Genetics (formerly Invitae), Labcorp
Classification: Uncertain significance for Dilated cardiomyopathy 1JJ. Last evaluated: 2023-02-14. Review status: criteria provided, single submitter. Criteria: Invitae Variant Classification Sherloc (09022015). Collection method: clinical testing. Allele origin: germline.
Comment: This sequence change replaces serine, which is neutral and polar, with arginine, which is basic and polar, at codon 699 of the LAMA4 protein (p.Ser699Arg). This variant is not present in population databases (gnomAD no frequency). This variant has not been reported in the literature in individuals affected with LAMA4-related conditions. Algorithms developed to predict the effect of missense changes on protein structure and function (SIFT, PolyPhen-2, Align-GVGD) all suggest that this variant is likely to be tolerated. In summary, the available evidence is currently insufficient to determine the role of this variant in disease. Therefore, it has been classified as a Variant of Uncertain Significance.